The following is an entry in ClinVar:

ClinVar aggregate classification (germline): Uncertain significance (1 of 4 stars; one submission).

Conditions:
Wilms tumor 1 (WT1). Also called: Wilms tumor, somatic. Identifiers: Orphanet 654, MedGen CN033288, MONDO:0008679, OMIM 194070.
Drash syndrome (DDS). Also called: NEPHROPATHY, WILMS TUMOR, AND GENITAL ANOMALIES; WILMS TUMOR AND PSEUDO- OR TRUE HERMAPHRODITISM. Identifiers: Orphanet 220, MedGen C0950121, MONDO:0008682, OMIM 194080.
Frasier syndrome. Identifiers: Orphanet 347, MedGen C0950122, MeSH D052159, MONDO:0007635, OMIM 136680.
11p partial monosomy syndrome (WAGR). Also called: CHROMOSOME 11p13 DELETION SYNDROME; WAGR Spectrum Disorder; WAGR syndrome; WAGR Complex. Identifiers: Orphanet 893, MedGen C0206115, MONDO:0008681, OMIM 194072.

Allele frequency attached by ClinVar (database versions not stated): gnomAD exomes below 0.00001.
gnomAD v4.1: 1 of 1,614,220 alleles (0.000062%); highest among the groups gnomAD compares: Middle Eastern, 0.016%; no homozygotes.

Submission:

Labcorp Genetics (formerly Invitae), Labcorp
Classification: Uncertain significance for Wilms tumor 1; Drash syndrome; 11p partial monosomy syndrome; Frasier syndrome. Last evaluated: 2023-06-18. Review status: criteria provided, single submitter. Criteria: Invitae Variant Classification Sherloc (09022015). Collection method: clinical testing. Allele origin: germline.
Comment: This variant has not been reported in the literature in individuals affected with WT1-related conditions. An algorithm developed to predict the effect of missense changes on protein structure and function (PolyPhen-2) suggests that this variant is likely to be disruptive. In summary, the available evidence is currently insufficient to determine the role of this variant in disease. Therefore, it has been classified as a Variant of Uncertain Significance. This variant is not present in population databases (gnomAD no frequency). This sequence change replaces proline, which is neutral and non-polar, with alanine, which is neutral and non-polar, at codon 347 of the WT1 protein (p.Pro347Ala).

NM_024426.6(WT1):c.1054C>G (p.Pro352Ala)

Gene: WT1 (WT1 transcription factor; minus strand). Cytogenetic location: 11p13.
Variant type: single nucleotide variant.
Coding change: c.1054C>G on transcript NM_024426.6 (MANE Select); coding-DNA position 1054, C replaced by G.
Protein change: p.Pro352Ala; replaces proline 352 with alanine.
Molecular consequence: missense variant. On other transcripts: 5 prime UTR variant (1), non-coding transcript variant (2).
Genome position (GRCh38, 1-based): chr11:32,400,007, G>C on the plus strand (C>G on the coding strand, the complement: WT1 is on the minus strand). VCF-style: chr11-32400007-G-C. GRCh37 (hg19) VCF-style: chr11-32421553-G-C.
Other names: c.1003C>G, p.Pro335Ala (NM_000378.6, NM_001407045.1, NM_001407048.1 and 1 more transcripts); c.403C>G, p.Pro135Ala (NM_001198551.2); c.352C>G, p.Pro118Ala (NM_001198552.2); c.-135C>G (NM_001367854.1); c.1048C>G, p.Pro350Ala (NM_001407044.1); c.1054C>G, p.Pro352Ala (NM_001407046.1, NM_024424.5); c.931C>G, p.Pro311Ala (NM_001407047.1); c.880C>G, p.Pro294Ala (NM_001407050.1); and 2 more; short protein forms P294A, P311A, P330A, P352A, P335A, P118A, P135A, P347A.
Identifiers: ClinVar variation 2923864 (VCV002923864.3), dbSNP rs2132958327, ClinGen allele CA379960432.